The following is an entry in ClinVar:

NM_001135146.2(SLC39A8):c.227C>T (p.Thr76Ile)

Gene: SLC39A8 (solute carrier family 39 member 8; minus strand). Cytogenetic location: 4q24.
Variant type: single nucleotide variant.
Coding change: c.227C>T on transcript NM_001135146.2 (MANE Select); coding-DNA position 227, C replaced by T.
Protein change: p.Thr76Ile; replaces threonine 76 with isoleucine.
Molecular consequence: missense variant.
Genome position (GRCh38, 1-based): chr4:102,315,823, G>A on the plus strand (C>T on the coding strand, the complement: SLC39A8 is on the minus strand). VCF-style: chr4-102315823-G-A. GRCh37 (hg19) VCF-style: chr4-103236980-G-A.
Other names: c.227C>T, p.Thr76Ile (NM_001135147.1, NM_022154.5); c.26C>T, p.Thr9Ile (NM_001135148.2); short protein forms T76I, T9I.
Identifiers: ClinVar variation 3338977 (VCV003338977.1).

ClinVar aggregate classification (germline): Uncertain significance (1 of 4 stars; one submission).

Submission:

Women's Health and Genetics/Laboratory Corporation of America, LabCorp
Classification: Uncertain significance. Last evaluated: 2024-07-10. Review status: criteria provided, single submitter. Criteria: LabCorp Variant Classification Summary - May 2015. Collection method: clinical testing. Allele origin: germline.
Comment: Variant summary: SLC39A8 c.227C>T (p.Thr76Ile) results in a non-conservative amino acid change in the encoded protein sequence. Three of five in-silico tools predict a damaging effect of the variant on protein function. The variant was absent in 245716 control chromosomes (gnomAD). The available data on variant occurrences in the general population are insufficient to allow any conclusion about variant significance. To our knowledge, no occurrence of c.227C>T in individuals affected with SLC39A8-CDG and no experimental evidence demonstrating its impact on protein function have been reported. No submitters have cited clinical-significance assessments for this variant to ClinVar. Based on the evidence outlined above, the variant was classified as uncertain significance.